The following is an entry in ClinVar:

NM_004074.3(COX8A):c.171G>T (p.Trp57Cys)

Gene: COX8A (cytochrome c oxidase subunit 8A; plus strand). Cytogenetic location: 11q13.1.
Variant type: single nucleotide variant.
Coding change: c.171G>T on transcript NM_004074.3 (MANE Select); coding-DNA position 171, G replaced by T.
Protein change: p.Trp57Cys; replaces tryptophan 57 with cysteine.
Molecular consequence: missense variant.
Genome position (GRCh38, 1-based): chr11:63,976,281, G>T. VCF-style: chr11-63976281-G-T. GRCh37 (hg19) VCF-style: chr11-63743753-G-T.
Other names: short protein forms W57C.
Identifiers: ClinVar variation 1033634 (VCV001033634.3), dbSNP rs146388741, ClinGen allele CA6066762.
Genomic context (GRCh38, chr11:63,976,281, plus strand): 5'-GTAGGAATTGGCCGTTGGGCTTACCTCCTGCTTCGTGACCTTCCTCCTGCCAGCGGGCTG[G>T]ATCCTGTCACACCTGGAGACCTACAGGAGGCCAGAGTGAAGGGGTCCGTTCTGTCCCTCA-3'
Protein context (NP_004065.1, residues 47-67): CFVTFLLPAG[Trp57Cys]ILSHLETYRR

ClinVar aggregate classification (germline): Uncertain significance. Review status: criteria provided, multiple submitters, no conflicts (2 of 4 stars). 2 submissions from 2 submitters: Uncertain significance (2). Last evaluated 2024-09-12.

Conditions:
Mitochondrial complex IV deficiency, nuclear type 1 (MC4DN1). Also called: Mitochondrial complex IV deficiency; Complex 4 mitochondrial respiratory chain deficiency; Deficiency of mitochondrial respiratory chain complex4; Complex IV deficiency; COX DEFICIENCY. Identifiers: MedGen C5435656, MONDO:0700250, OMIM 220110. Disease mechanism: loss of function.

Allele frequency attached by ClinVar (database versions not stated): gnomAD 0.00001; TOPMed 0.00001; ExAC 0.00002; gnomAD exomes 0.00002; ESP Exome Variant Server 0.00008.
gnomAD v4.1: 8 of 1,614,060 alleles (0.0005%); highest among the groups gnomAD compares: Admixed American, 0.005%; no homozygotes.

Submissions (2):

Labcorp Genetics (formerly Invitae), Labcorp
Classification: Uncertain significance. Last evaluated: 2024-09-12. Review status: criteria provided, single submitter. Criteria: Invitae Variant Classification Sherloc (09022015). Collection method: clinical testing. Allele origin: germline.
Comment: This sequence change replaces tryptophan, which is neutral and slightly polar, with cysteine, which is neutral and slightly polar, at codon 57 of the COX8A protein (p.Trp57Cys). This variant is present in population databases (rs146388741, gnomAD 0.01%). This variant has not been reported in the literature in individuals affected with COX8A-related conditions. ClinVar contains an entry for this variant (Variation ID: 1033634). An algorithm developed to predict the effect of missense changes on protein structure and function (PolyPhen-2) suggests that this variant is likely to be disruptive. In summary, the available evidence is currently insufficient to determine the role of this variant in disease. Therefore, it has been classified as a Variant of Uncertain Significance.

Baylor Genetics
Classification: Uncertain significance for Mitochondrial complex IV deficiency, nuclear type 1. Last evaluated: 2018-02-22. Review status: criteria provided, single submitter. Criteria: ACMG Guidelines, 2015. Collection method: clinical testing. Allele origin: maternal. Affected: yes.
Comment: This variant was determined to be of uncertain significance according to ACMG Guidelines, 2015 [PMID:25741868].